The following is an entry in ClinVar:

ClinVar aggregate classification (germline): Uncertain significance. Review status: criteria provided, multiple submitters, no conflicts (2 of 4 stars). 2 submissions from 2 submitters: Uncertain significance (2). Last evaluated 2026-01-20.

Conditions:
Dyskeratosis congenita, autosomal recessive 6 (DKCB6). Identifiers: MedGen C4225356, MONDO:0014600, OMIM 616353.
Pulmonary fibrosis and/or bone marrow failure, Telomere-related, 4. Also called: PULMONARY FIBROSIS AND/OR BONE MARROW FAILURE SYNDROME, TELOMERE-RELATED, 4. Identifiers: Orphanet 2032, MedGen C4225347, MONDO:0014612, OMIM 616371.
Inborn genetic diseases. Identifiers: MedGen C0950123, MeSH D030342.

Allele frequency attached by ClinVar (database versions not stated): TOPMed 0.00001; gnomAD 0.00002; gnomAD exomes 0.00001.
gnomAD v4.1: 24 of 1,613,074 alleles (0.0015%); highest among the groups gnomAD compares: Non-Finnish European, 0.002%; no homozygotes.

Submissions (2):

Labcorp Genetics (formerly Invitae), Labcorp
Classification: Uncertain significance for Dyskeratosis congenita, autosomal recessive 6; Pulmonary fibrosis and/or bone marrow failure, Telomere-related, 4. Last evaluated: 2026-01-20. Review status: criteria provided, single submitter. Criteria: Invitae Variant Classification Sherloc (09022015). Collection method: clinical testing. Allele origin: germline.
Comment: This sequence change replaces methionine, which is neutral and non-polar, with isoleucine, which is neutral and non-polar, at codon 614 of the PARN protein (p.Met614Ile). This variant is not present in population databases (gnomAD no frequency). This variant has not been reported in the literature in individuals affected with PARN-related conditions. ClinVar contains an entry for this variant (Variation ID: 650846). An algorithm developed to predict the effect of missense changes on protein structure and function (PolyPhen-2) suggests that this variant is likely to be tolerated. In summary, the available evidence is currently insufficient to determine the role of this variant in disease. Therefore, it has been classified as a Variant of Uncertain Significance.

Ambry Genetics
Classification: Uncertain significance for Inborn genetic diseases. Last evaluated: 2025-05-28. Review status: criteria provided, single submitter. Criteria: Ambry Variant Classification Scheme 2023. Collection method: clinical testing. Allele origin: germline.

NM_002582.4(PARN):c.1842G>A (p.Met614Ile)

Gene: PARN (poly(A)-specific ribonuclease; minus strand). Cytogenetic location: 16p13.12.
Variant type: single nucleotide variant.
Coding change: c.1842G>A on transcript NM_002582.4 (MANE Select); coding-DNA position 1842, G replaced by A.
Protein change: p.Met614Ile; replaces methionine 614 with isoleucine.
Molecular consequence: missense variant.
Genome position (GRCh38, 1-based): chr16:14,446,910, C>T on the plus strand (G>A on the coding strand, the complement: PARN is on the minus strand). VCF-style: chr16-14446910-C-T. GRCh37 (hg19) VCF-style: chr16-14540767-C-T.
Other names: c.1842G>A, p.Met614Ile (LRG_1286t1); c.1659G>A, p.Met553Ile (NM_001134477.3); c.1704G>A, p.Met568Ile (NM_001242992.2); short protein forms M553I, M568I, M614I.
Identifiers: ClinVar variation 650846 (VCV000650846.12), dbSNP rs913617123, ClinGen allele CA278950341.